The following is an entry in ClinVar:

NM_000465.4(BARD1):c.1064A>G (p.Glu355Gly)

Gene: BARD1 (BRCA1 associated RING domain 1; minus strand). Cytogenetic location: 2q35.
Variant type: single nucleotide variant.
Coding change: c.1064A>G on transcript NM_000465.4 (MANE Select); coding-DNA position 1064, A replaced by G.
Protein change: p.Glu355Gly; replaces glutamic acid 355 with glycine.
Molecular consequence: missense variant. On other transcripts: non-coding transcript variant (2), intron variant (3).
Genome position (GRCh38, 1-based): chr2:214,780,810, T>C on the plus strand (A>G on the coding strand, the complement: BARD1 is on the minus strand). VCF-style: chr2-214780810-T-C. GRCh37 (hg19) VCF-style: chr2-215645534-T-C.
Other names: c.1007A>G, p.Glu336Gly (NM_001282543.2); c.159-28255A>G (NM_001282548.2); c.215+16251A>G (NM_001282545.2); c.364+11487A>G (NM_001282549.2); short protein forms E336G, E355G.
Identifiers: ClinVar variation 2774788 (VCV002774788.2), dbSNP rs2106108935, ClinGen allele CA350454130.

ClinVar aggregate classification (germline): Uncertain significance (1 of 4 stars; one submission).

Conditions:
Hereditary cancer-predisposing syndrome. Also called: Neoplastic Syndromes, Hereditary; Tumor predisposition; Hereditary Cancer Syndrome; Hereditary neoplastic syndrome. Identifiers: Orphanet 140162, MedGen C0027672, MeSH D009386, MONDO:0015356.

Submission:

Color Diagnostics, LLC DBA Color Health
Classification: Uncertain significance for Hereditary cancer-predisposing syndrome. Last evaluated: 2024-03-06. Review status: criteria provided, single submitter. Criteria: ACMG Guidelines, 2015. Collection method: clinical testing. Allele origin: germline.
Comment: This missense variant replaces glutamic acid with glycine at codon 355 of the BARD1 protein. Computational prediction suggests that this variant may not impact protein structure and function (internally defined REVEL score threshold <= 0.5, PMID: 27666373). To our knowledge, functional studies have not been reported for this variant. This variant has not been reported in individuals affected with hereditary cancer in the literature. This variant has not been identified in the general population by the Genome Aggregation Database (gnomAD). The available evidence is insufficient to determine the role of this variant in disease conclusively. Therefore, this variant is classified as a Variant of Uncertain Significance.